The following is an entry in ClinVar:

NM_000051.4(ATM):c.6348-5C>A

Genes: ATM (ATM serine/threonine kinase; plus strand), C11orf65 (chromosome 11 open reading frame 65; minus strand). Cytogenetic location: 11q22.3.
Variant type: single nucleotide variant.
Coding change: c.6348-5C>A on transcript NM_000051.4 (MANE Select); 5 bases into the intron before coding-DNA position 6348, C replaced by A.
Molecular consequence: intron variant.
Genome position (GRCh38, 1-based): chr11:108,319,949, C>A. VCF-style: chr11-108319949-C-A. GRCh37 (hg19) VCF-style: chr11-108190676-C-A.
Other names: c.6348-5C>A (NM_001351834.2); c.641-10878G>T (NM_001330368.2); c.*39-10878G>T (NM_001351110.2).
Identifiers: ClinVar variation 1146588 (VCV001146588.11), dbSNP rs1388651064, ClinGen allele CA671424082.

ClinVar aggregate classification (germline): Conflicting classifications of pathogenicity. Review status: criteria provided, conflicting classifications (1 of 4 stars). 2 submissions from 2 submitters: Uncertain significance (1); Likely benign (1). Last evaluated 2025-06-09.

Conditions:
Hereditary cancer-predisposing syndrome. Also called: Neoplastic Syndromes, Hereditary; Tumor predisposition; Hereditary Cancer Syndrome; Hereditary neoplastic syndrome. Identifiers: Orphanet 140162, MedGen C0027672, MeSH D009386, MONDO:0015356.
Ataxia-telangiectasia syndrome (AT). Also called: Ataxia telangiectasia (A-T); ATAXIA-TELANGIECTASIA, COMPLEMENTATION GROUP A; ATAXIA-TELANGIECTASIA, FRESNO VARIANT; Ataxia-telangiectasia; Ataxia-telangiectasia, complementation group E; LOUIS-BAR SYNDROME. Identifiers: Orphanet 100, MedGen C0004135, MONDO:0008840, OMIM 208900.

Allele frequency attached by ClinVar (database versions not stated): TOPMed 0.00001; gnomAD 0.00001.

Submissions (2):

Labcorp Genetics (formerly Invitae), Labcorp
Classification: Likely benign for Ataxia-telangiectasia syndrome. Last evaluated: 2025-06-09. Review status: criteria provided, single submitter. Criteria: Invitae Variant Classification Sherloc (09022015). Collection method: clinical testing. Allele origin: germline.

Ambry Genetics
Classification: Uncertain significance for Hereditary cancer-predisposing syndrome. Last evaluated: 2022-05-07. Review status: criteria provided, single submitter. Criteria: Ambry Variant Classification Scheme 2023. Collection method: clinical testing. Allele origin: germline.
Comment: The c.6348-5C>A intronic variant results from a C to A substitution 5 nucleotides upstream from coding exon 43 in the ATM gene. This nucleotide position is not well conserved in available vertebrate species. In silico splice site analysis predicts that this alteration will not have any significant effect on splicing. Since supporting evidence is limited at this time, the clinical significance of this alteration remains unclear.